The following is an entry in ClinVar:

ClinVar aggregate classification (germline): Pathogenic/Likely pathogenic. Review status: criteria provided, multiple submitters, no conflicts (2 of 4 stars). 6 submissions from 6 submitters: Pathogenic (3); Likely pathogenic (1). 2 of the submissions do not count toward it. Last evaluated 2025-08-08.

Conditions:
PDE6B-related disorder. Also called: PDE6B-related disorders; PDE6B-related disease; PDE6B-related condition.
Retinitis pigmentosa (RP). Identifiers: Orphanet 791, MedGen C0035334, MeSH D012174, MONDO:0019200, OMIM 268000. Inheritance: Autosomal dominant, autosomal recessive and X linked inheritance.
Retinitis pigmentosa 40 (RP40). Identifiers: Orphanet 791, MedGen C3151107, MONDO:0013429, OMIM 613801.

Allele frequency attached by ClinVar (database versions not stated): gnomAD 0.00001; gnomAD exomes 0.00001 and 0.00002; TOPMed 0.00001; ExAC 0.00003; 1000 Genomes Project 0.00020; 1000 Genomes Project 30x 0.00031.
gnomAD v4.1: 21 of 1,579,726 alleles (0.0013%); highest among the groups gnomAD compares: African/African-American, 0.004%; no homozygotes.

Submissions (6):

3billion
Classification: Likely pathogenic for Retinitis pigmentosa 40. Last evaluated: 2025-08-08. Review status: criteria provided, single submitter. Criteria: ACMG Guidelines, 2015. Collection method: clinical testing. Allele origin: germline. Affected: yes.
Comment: The variant is observed at an extremely low frequency in the gnomAD v4.1.0 dataset (total allele frequency: 0.001%). Predicted Consequence/Location: Missense variant In silico tool predictions suggest damaging effect of the variant on gene or gene product [REVEL: 0.82 (>=0.6, sensitivity 0.68 and specificity 0.92); 3Cnet: 0.98 (> 0.75, sensitivity 0.96 and precision 0.92)]. The same nucleotide change resulting in the same amino acid change has been previously reported as pathogenic/likely pathogenic with strong evidence (ClinVar ID: VCV000217798 /PMID: 25823529). A different missense change at the same codon (p.Arg560His) has been reported to be associated with PDE6B-related disorder (PMID: 31429209). Therefore, this variant is classified as Likely pathogenic according to the recommendation of ACMG/AMP guideline.

Labcorp Genetics (formerly Invitae), Labcorp
Classification: Pathogenic. Last evaluated: 2025-07-31. Review status: criteria provided, single submitter. Criteria: Invitae Variant Classification Sherloc (09022015). Collection method: clinical testing. Allele origin: germline.
Comment: This sequence change replaces arginine, which is basic and polar, with cysteine, which is neutral and slightly polar, at codon 560 of the PDE6B protein (p.Arg560Cys). The frequency data for this variant in the population databases is considered unreliable, as metrics indicate poor data quality at this position in the gnomAD database. This missense change has been observed in individuals with autosomal recessive retinitis pigmentosa (PMID: 25823529, 28041643, 30998820). It has also been observed to segregate with disease in related individuals. ClinVar contains an entry for this variant (Variation ID: 217798). Invitae Evidence Modeling of protein sequence and biophysical properties (such as structural, functional, and spatial information, amino acid conservation, physicochemical variation, residue mobility, and thermodynamic stability) indicates that this missense variant is expected to disrupt PDE6B protein function with a positive predictive value of 95%. Experimental studies have shown that this missense change affects PDE6B function (PMID: 17267005). For these reasons, this variant has been classified as Pathogenic.

Blueprint Genetics
Classification: Pathogenic for PDE6B-related disorders. Last evaluated: 2023-04-24. Review status: criteria provided, single submitter. Criteria: ACMG Guidelines, 2015. Collection method: clinical testing. Allele origin: germline. Affected: yes. Observed: 5 variant alleles.

Clinical Genetics Service, Universitary Hospital 12 de Octubre
Classification: Pathogenic for Retinitis pigmentosa 40. Review status: criteria provided, single submitter. Criteria: ACMG Guidelines, 2015. Collection method: clinical testing. Allele origin: paternal. Affected: yes.

OMIM
Classification: Pathogenic for RETINITIS PIGMENTOSA 40. Last evaluated: 2015-07-01. Review status: no assertion criteria provided. Collection method: literature only. Allele origin: germline. Not counted in ClinVar's aggregate classification.

NIHR Bioresource Rare Diseases, University of Cambridge
Classification: Likely pathogenic for Retinitis pigmentosa. Last evaluated: 2015-01-01. Review status: no assertion criteria provided. Collection method: research. Allele origin: unknown. Affected: yes. Observed: 2 variant alleles. Not counted in ClinVar's aggregate classification.

Literature cited by the submitters: PubMed 31429209 (cited by 3billion); PubMed 25823529 (cited by 4 submitters); PubMed 28041643 (cited by Labcorp Genetics (formerly Invitae), Labcorp and NIHR Bioresource Rare Diseases, University of Cambridge); PubMed 30998820 (cited by Labcorp Genetics (formerly Invitae), Labcorp); PubMed 17267005 (cited by Labcorp Genetics (formerly Invitae), Labcorp and OMIM); PubMed 12525556 (cited by OMIM).

NM_000283.4(PDE6B):c.1678C>T (p.Arg560Cys)

Gene: PDE6B (phosphodiesterase 6B; plus strand). Cytogenetic location: 4p16.3.
Variant type: single nucleotide variant.
Coding change: c.1678C>T on transcript NM_000283.4 (MANE Select); coding-DNA position 1678, C replaced by T.
Protein change: p.Arg560Cys; replaces arginine 560 with cysteine.
Molecular consequence: missense variant.
Genome position (GRCh38, 1-based): chr4:662,197, C>T. VCF-style: chr4-662197-C-T. GRCh37 (hg19) VCF-style: chr4-655986-C-T.
Other names: c.1678C>T, p.Arg560Cys (NM_001145291.2); c.841C>T, p.Arg281Cys (NM_001145292.2, NM_001350154.3, NM_001379246.1 and 1 more transcripts); c.523C>T, p.Arg175Cys (NM_001350155.3); short protein forms R560C, R175C, R281C.
Identifiers: ClinVar variation 217798 (VCV000217798.14), dbSNP rs201541131, ClinGen allele CA277821.